The following is an entry in ClinVar:

NM_024642.5(GALNT12):c.1624G>A (p.Glu542Lys)

Gene: GALNT12 (polypeptide N-acetylgalactosaminyltransferase 12; plus strand). Cytogenetic location: 9q22.33.
Variant type: single nucleotide variant.
Coding change: c.1624G>A on transcript NM_024642.5 (MANE Select); coding-DNA position 1624, G replaced by A.
Protein change: p.Glu542Lys; replaces glutamic acid 542 with lysine.
Molecular consequence: missense variant.
Genome position (GRCh38, 1-based): chr9:98,848,970, G>A. VCF-style: chr9-98848970-G-A. GRCh37 (hg19) VCF-style: chr9-101611252-G-A.
Other names: short protein forms E542K.
Identifiers: ClinVar variation 660449 (VCV000660449.13), dbSNP rs376894835, ClinGen allele CA374222758.

ClinVar aggregate classification (germline): Uncertain significance. Review status: criteria provided, multiple submitters, no conflicts (2 of 4 stars). 2 submissions from 2 submitters: Uncertain significance (2). Last evaluated 2025-08-06.

Allele frequency attached by ClinVar (database versions not stated): TOPMed 0.00001.
gnomAD v4.1: 12 of 1,613,952 alleles (0.00074%); highest among the groups gnomAD compares: Non-Finnish European, 0.001%; no homozygotes.

Submissions (2):

Ambry Genetics
Classification: Uncertain significance. Last evaluated: 2025-08-06. Review status: criteria provided, single submitter. Criteria: Ambry Variant Classification Scheme 2023. Collection method: clinical testing. Allele origin: germline.

Labcorp Genetics (formerly Invitae), Labcorp
Classification: Uncertain significance. Last evaluated: 2025-03-31. Review status: criteria provided, single submitter. Criteria: Invitae Variant Classification Sherloc (09022015). Collection method: clinical testing. Allele origin: germline.
Comment: This sequence change replaces glutamic acid, which is acidic and polar, with lysine, which is basic and polar, at codon 542 of the GALNT12 protein (p.Glu542Lys). This variant is not present in population databases (gnomAD no frequency). This variant has not been reported in the literature in individuals affected with GALNT12-related conditions. ClinVar contains an entry for this variant (Variation ID: 660449). Invitae Evidence Modeling of protein sequence and biophysical properties (such as structural, functional, and spatial information, amino acid conservation, physicochemical variation, residue mobility, and thermodynamic stability) indicates that this missense variant is not expected to disrupt GALNT12 protein function with a negative predictive value of 80%. In summary, the available evidence is currently insufficient to determine the role of this variant in disease. Therefore, it has been classified as a Variant of Uncertain Significance.